The following is an entry in ClinVar:

ClinVar aggregate classification (germline): Uncertain significance (1 of 4 stars; one submission).

Conditions:
Early-infantile DEE. Also called: Early infantile epileptic encephalopathy; Early infantile epileptic encephalopathy with suppression bursts; Ohtahara syndrome. Identifiers: Orphanet 1934, MedGen C0393706, MONDO:0800491.

Submission:

Labcorp Genetics (formerly Invitae), Labcorp
Classification: Uncertain significance for Early-infantile DEE. Last evaluated: 2025-09-15. Review status: criteria provided, single submitter. Criteria: Invitae Variant Classification Sherloc (09022015). Collection method: clinical testing. Allele origin: germline.
Comment: This sequence change replaces serine, which is neutral and polar, with isoleucine, which is neutral and non-polar, at codon 1116 of the SPTAN1 protein (p.Ser1116Ile). This variant is not present in population databases (gnomAD no frequency). This variant has not been reported in the literature in individuals affected with SPTAN1-related conditions. Invitae Evidence Modeling of protein sequence and biophysical properties (such as structural, functional, and spatial information, amino acid conservation, physicochemical variation, residue mobility, and thermodynamic stability) has been performed for this missense variant. However, the output from this modeling did not meet the statistical confidence thresholds required to predict the impact of this variant on SPTAN1 protein function. In summary, the available evidence is currently insufficient to determine the role of this variant in disease. Therefore, it has been classified as a Variant of Uncertain Significance.

NM_001130438.3(SPTAN1):c.3347G>T (p.Ser1116Ile)

Gene: SPTAN1 (spectrin alpha, non-erythrocytic 1; plus strand). Cytogenetic location: 9q34.11.
Variant type: single nucleotide variant.
Coding change: c.3347G>T on transcript NM_001130438.3 (MANE Select); coding-DNA position 3347, G replaced by T.
Protein change: p.Ser1116Ile; replaces serine 1116 with isoleucine.
Molecular consequence: missense variant.
Genome position (GRCh38, 1-based): chr9:128,594,306, G>T. VCF-style: chr9-128594306-G-T. GRCh37 (hg19) VCF-style: chr9-131356585-G-T.
Other names: c.3287G>T, p.Ser1096Ile (NM_001195532.2, NM_001363765.2, NM_001375314.2 and 3 more transcripts); c.3347G>T, p.Ser1116Ile (NM_001363759.2, NM_001375310.1, NM_001375311.2 and 4 more transcripts); c.3383G>T, p.Ser1128Ile (NM_001375312.2, NM_001375318.1, NM_001438440.1); short protein forms S1096I, S1116I, S1128I.
Identifiers: ClinVar variation 4801848 (VCV004801848.1).